The following is an entry in ClinVar:

ClinVar aggregate classification (germline): Uncertain significance (1 of 4 stars; one submission).

Allele frequency attached by ClinVar (database versions not stated): gnomAD exomes below 0.00001; TOPMed below 0.00001; ExAC 0.00001.

Submission:

Labcorp Genetics (formerly Invitae), Labcorp
Classification: Uncertain significance. Last evaluated: 2022-03-02. Review status: criteria provided, single submitter. Criteria: Invitae Variant Classification Sherloc (09022015). Collection method: clinical testing. Allele origin: germline.
Comment: This sequence change replaces alanine, which is neutral and non-polar, with threonine, which is neutral and polar, at codon 620 of the FAM161A protein (p.Ala620Thr). This variant is present in population databases (rs781246093, gnomAD 0.003%). This variant has not been reported in the literature in individuals affected with FAM161A-related conditions. Algorithms developed to predict the effect of missense changes on protein structure and function are either unavailable or do not agree on the potential impact of this missense change (SIFT: "Tolerated"; PolyPhen-2: "Probably Damaging"; Align-GVGD: "Class C0"). In summary, the available evidence is currently insufficient to determine the role of this variant in disease. Therefore, it has been classified as a Variant of Uncertain Significance.

NM_001201543.2(FAM161A):c.1858G>A (p.Ala620Thr)

Gene: FAM161A (FAM161 centrosomal protein A; minus strand). Cytogenetic location: 2p15.
Variant type: single nucleotide variant.
Coding change: c.1858G>A on transcript NM_001201543.2 (MANE Select); coding-DNA position 1858, G replaced by A.
Protein change: p.Ala620Thr; replaces alanine 620 with threonine.
Molecular consequence: missense variant. On other transcripts: non-coding transcript variant (1).
Genome position (GRCh38, 1-based): chr2:61,827,252, C>T on the plus strand (G>A on the coding strand, the complement: FAM161A is on the minus strand). VCF-style: chr2-61827252-C-T. GRCh37 (hg19) VCF-style: chr2-62054387-C-T.
Other names: c.1690G>A, p.Ala564Thr (NM_032180.3); short protein forms A620T, A564T.
Identifiers: ClinVar variation 1431445 (VCV001431445.3), dbSNP rs781246093, ClinGen allele CA1679001.